The following is an entry in ClinVar:

ClinVar aggregate classification (germline): Conflicting classifications of pathogenicity. Review status: criteria provided, conflicting classifications (1 of 4 stars). 2 submissions from 2 submitters: Uncertain significance (1); Likely benign (1). Last evaluated 2023-11-04.

gnomAD v4.1: 12 of 1,613,976 alleles (0.00074%); highest among the groups gnomAD compares: African/African-American, 0.004%; no homozygotes.

Submissions (2):

Labcorp Genetics (formerly Invitae), Labcorp
Classification: Uncertain significance. Last evaluated: 2023-11-04. Review status: criteria provided, single submitter. Criteria: Invitae Variant Classification Sherloc (09022015). Collection method: clinical testing. Allele origin: germline.
Comment: This sequence change replaces methionine, which is neutral and non-polar, with threonine, which is neutral and polar, at codon 527 of the ADCY10 protein (p.Met527Thr). This variant is present in population databases (rs748513464, gnomAD 0.005%). This variant has not been reported in the literature in individuals affected with ADCY10-related conditions. ClinVar contains an entry for this variant (Variation ID: 2516393). Algorithms developed to predict the effect of missense changes on protein structure and function output the following: SIFT: "Not Available"; PolyPhen-2: "Benign"; Align-GVGD: "Not Available". The threonine amino acid residue is found in multiple mammalian species, which suggests that this missense change does not adversely affect protein function. In summary, the available evidence is currently insufficient to determine the role of this variant in disease. Therefore, it has been classified as a Variant of Uncertain Significance.

Ambry Genetics
Classification: Likely benign. Last evaluated: 2023-05-09. Review status: criteria provided, single submitter. Criteria: Ambry Variant Classification Scheme 2023. Collection method: clinical testing. Allele origin: germline.

NM_018417.6(ADCY10):c.1580T>C (p.Met527Thr)

Genes: ADCY10 (adenylate cyclase 10; minus strand), DCAF6 (DDB1 and CUL4 associated factor 6; plus strand). Cytogenetic location: 1q24.2.
Variant type: single nucleotide variant.
Coding change: c.1580T>C on transcript NM_018417.6 (MANE Select); coding-DNA position 1580, T replaced by C.
Protein change: p.Met527Thr; replaces methionine 527 with threonine.
Molecular consequence: missense variant.
Genome position (GRCh38, 1-based): chr1:167,870,293, A>G on the plus strand (T>C on the coding strand, the complement: ADCY10 is on the minus strand). VCF-style: chr1-167870293-A-G. GRCh37 (hg19) VCF-style: chr1-167839531-A-G.
Other names: c.1121T>C, p.Met374Thr (NM_001167749.3); c.1304T>C, p.Met435Thr (NM_001297772.2); short protein forms M435T, M374T, M527T.
Identifiers: ClinVar variation 2516393 (VCV002516393.5), dbSNP rs748513464, ClinGen allele CA1227897.